The following is an entry in ClinVar:

NC_000011.10:g.94493863C>T

Gene: MRE11 (MRE11 double strand break repair nuclease; minus strand). Cytogenetic location: 11q21.
Variant type: single nucleotide variant.
Genome position: GRCh38 VCF-style: chr11-94493863-C-T. GRCh37 (hg19) VCF-style: chr11-94227029-C-T.
Other names: c.-178G>A (NM_005591.3).
Identifiers: ClinVar variation 306499 (VCV000306499.19), dbSNP rs1805360, ClinGen allele CA10639705.

ClinVar aggregate classification (germline): Benign. Review status: criteria provided, multiple submitters, no conflicts (2 of 4 stars). 4 submissions from 4 submitters: Benign (4). Last evaluated 2022-04-14.

Conditions:
Ataxia-telangiectasia-like disorder 1 (ATLD1). Identifiers: Orphanet 251347, MedGen C4012790, MONDO:0024557, OMIM 604391.

Allele frequency attached by ClinVar (database versions not stated): gnomAD 0.03848 and 0.03996; 1000 Genomes Project 30x 0.04388; gnomAD exomes 0.01786; TOPMed 0.04280; 1000 Genomes Project 0.04173.
gnomAD v4.1: 5,837 of 152,346 alleles (3.8%); highest among the groups gnomAD compares: African/African-American, 11%; 271 homozygotes.

Submissions (4):

ARUP Laboratories, Molecular Genetics and Genomics, ARUP Laboratories
Classification: Benign for Ataxia-telangiectasia-like disorder 1. Last evaluated: 2022-04-14. Review status: criteria provided, single submitter. Criteria: ARUP Molecular Germline Variant Investigation Process 2021. Collection method: clinical testing. Allele origin: germline.

Illumina Laboratory Services, Illumina
Classification: Benign for Ataxia-telangiectasia-like disorder 1. Last evaluated: 2018-01-13. Review status: criteria provided, single submitter. Criteria: ICSL Variant Classification Criteria 13 December 2019. Collection method: clinical testing. Allele origin: germline.
Comment: This variant was observed in the ICSL laboratory as part of a predisposition screen in an ostensibly healthy population. It had not been previously curated by ICSL or reported in the Human Gene Mutation Database (HGMD: prior to June 1st, 2018), and was therefore a candidate for classification through an automated scoring system. Utilizing variant allele frequency, disease prevalence and penetrance estimates, and inheritance mode, an automated score was calculated to assess if this variant is too frequent to cause the disease. Based on the score and internal cut-off values, a variant classified as benign is not then subjected to further curation. The score for this variant resulted in a classification of benign for this disease.

GeneDx
Classification: Benign. Last evaluated: 2015-03-03. Review status: criteria provided, single submitter. Criteria: GeneDx Variant Classification Process June 2021. Collection method: clinical testing. Allele origin: germline. Affected: yes.

Breakthrough Genomics
Classification: Benign. Review status: criteria provided, single submitter. Criteria: ACMG Guidelines, 2015. Collection method: not provided. Allele origin: germline. Inheritance: Autosomal recessive inheritance. Affected: yes.